The following is an entry in ClinVar:

ClinVar aggregate classification (germline): Conflicting classifications of pathogenicity. Review status: criteria provided, conflicting classifications (1 of 4 stars). 7 submissions from 7 submitters: Uncertain significance (6); Likely benign (1). Last evaluated 2026-04-07.

Conditions:
Cardiovascular phenotype. Identifiers: MedGen CN230736.
Ehlers-Danlos syndrome (EDS). Identifiers: Orphanet 98249, MedGen C0013720, MONDO:0020066.

Allele frequency attached by ClinVar (database versions not stated): TOPMed 0.00014; 1000 Genomes Project 30x 0.00016; 1000 Genomes Project 0.00020; ExAC 0.00007; gnomAD 0.00013; gnomAD exomes 0.00014.
gnomAD v4.1: 174 of 1,550,156 alleles (0.011%); highest among the groups gnomAD compares: Non-Finnish European, 0.015%; no homozygotes.

Submissions (7):

Women's Health and Genetics/Laboratory Corporation of America, LabCorp
Classification: Uncertain significance. Last evaluated: 2026-04-07. Review status: criteria provided, single submitter. Criteria: LabCorp Variant Classification Summary - May 2015. Collection method: clinical testing. Allele origin: germline.
Comment: Variant summary: ZNF469 c.11107G>A (p.Val3703Met) results in a conservative amino acid change in the encoded protein sequence. Algorithms developed to predict the effect of missense changes on protein structure and function are either unavailable or do not agree on the potential impact of this missense change. The variant allele was found at a frequency of 0.00014 in 148068 control chromosomes. This frequency is not significantly higher than estimated for disease-causing variants in ZNF469, allowing no conclusion about variant significance. To our knowledge, no occurrence of c.11107G>A in individuals affected with ZNF469-related conditions and no experimental evidence demonstrating its impact on protein function have been reported. ClinVar contains an entry for this variant (Variation ID: 321022). Based on the evidence outlined above, the variant was classified as uncertain significance.

Mayo Clinic Laboratories, Mayo Clinic
Classification: Uncertain significance. Last evaluated: 2025-05-27. Review status: criteria provided, single submitter. Criteria: ACMG Guidelines, 2015. Collection method: clinical testing. Allele origin: germline. Observed: 1 variant allele.
Comment: BP4

Ambry Genetics
Classification: Likely benign for Cardiovascular phenotype. Last evaluated: 2024-10-20. Review status: criteria provided, single submitter. Criteria: Ambry Variant Classification Scheme 2023. Collection method: clinical testing. Allele origin: germline.

GeneDx
Classification: Uncertain significance. Last evaluated: 2024-05-10. Review status: criteria provided, single submitter. Criteria: GeneDx Variant Classification Process June 2021. Collection method: clinical testing. Allele origin: germline. Affected: yes.
Comment: In silico analysis indicates that this missense variant does not alter protein structure/function; Has not been previously published as pathogenic or benign to our knowledge

Labcorp Genetics (formerly Invitae), Labcorp
Classification: Uncertain significance. Last evaluated: 2022-07-05. Review status: criteria provided, single submitter. Criteria: Invitae Variant Classification Sherloc (09022015). Collection method: clinical testing. Allele origin: germline.
Comment: This sequence change replaces valine, which is neutral and non-polar, with methionine, which is neutral and non-polar, at codon 3675 of the ZNF469 protein (p.Val3675Met). This variant is present in population databases (rs151127652, gnomAD 0.03%). This variant has not been reported in the literature in individuals affected with ZNF469-related conditions. ClinVar contains an entry for this variant (Variation ID: 321022). Algorithms developed to predict the effect of missense changes on protein structure and function output the following: SIFT: "Deleterious"; PolyPhen-2: "Benign"; Align-GVGD: "Class C0". The methionine amino acid residue is found in multiple mammalian species, which suggests that this missense change does not adversely affect protein function. In summary, the available evidence is currently insufficient to determine the role of this variant in disease. Therefore, it has been classified as a Variant of Uncertain Significance.

Genome Diagnostics Laboratory, The Hospital for Sick Children
Classification: Uncertain significance for Ehlers-Danlos syndrome. Last evaluated: 2021-06-17. Review status: criteria provided, single submitter. Criteria: ACMG Guidelines, 2015. Collection method: clinical testing. Allele origin: germline.

CeGaT Center for Human Genetics Tuebingen
Classification: Uncertain significance. Last evaluated: 2017-09-01. Review status: criteria provided, single submitter. Criteria: CeGaT Center For Human Genetics Tuebingen Variant Classification Criteria Version 2. Collection method: clinical testing. Allele origin: germline. Affected: yes. Observed: 1 variant allele.

NM_001367624.2(ZNF469):c.11107G>A (p.Val3703Met)

Gene: ZNF469 (zinc finger protein 469; plus strand). Cytogenetic location: 16q24.2.
Variant type: single nucleotide variant.
Coding change: c.11107G>A on transcript NM_001367624.2 (MANE Select); coding-DNA position 11107, G replaced by A.
Protein change: p.Val3703Met; replaces valine 3703 with methionine.
Molecular consequence: missense variant.
Genome position (GRCh38, 1-based): chr16:88,438,577, G>A. VCF-style: chr16-88438577-G-A. GRCh37 (hg19) VCF-style: chr16-88504985-G-A.
Other names: NM_001127464.1:c.11023G>A; NM_001127464.2:c.11023G>A; p.Val3703Met; short protein forms V3703M.
Identifiers: ClinVar variation 321022 (VCV000321022.58), dbSNP rs151127652, ClinGen allele CA8225583.